The following is an entry in ClinVar:

NM_032638.5(GATA2):c.554C>G (p.Pro185Arg)

Gene: GATA2 (GATA binding protein 2; minus strand). Cytogenetic location: 3q21.3.
Variant type: single nucleotide variant.
Coding change: c.554C>G on transcript NM_032638.5 (MANE Select); coding-DNA position 554, C replaced by G.
Protein change: p.Pro185Arg; replaces proline 185 with arginine.
Molecular consequence: missense variant.
Genome position (GRCh38, 1-based): chr3:128,486,044, G>C on the plus strand (C>G on the coding strand, the complement: GATA2 is on the minus strand). VCF-style: chr3-128486044-G-C. GRCh37 (hg19) VCF-style: chr3-128204887-G-C.
Other names: c.554C>G, p.Pro185Arg (NM_001145661.2, NM_001145662.1); short protein forms P185R.
Identifiers: ClinVar variation 2932024 (VCV002932024.3), dbSNP rs2472930938, ClinGen allele CA354406527.
Genomic context (GRCh38, chr3:128,486,044, plus strand): 5'-CCTCGGGCTGCACTACCCCCCGCGGAAGATGAGGCTGGAGACGCAGCCCCCGTGGTGCTA[G>C]GGTCAGGAGACACTTCTTTGGGTGGCGTGGGTGGGAAGCCGAAAAGGTGGGAGCCAGAGT-3'
Protein context (NP_116027.2, residues 175-195): PTPPKEVSPD[Pro185Arg]STTGAASPAS

ClinVar aggregate classification (germline): Uncertain significance (1 of 4 stars; one submission).

Conditions:
Deafness-lymphedema-leukemia syndrome. Also called: Lymphedema, primary, with myelodysplasia; Emberger syndrome. Identifiers: Orphanet 3226, MedGen C3279664, MONDO:0013540, OMIM 614038.
Monocytopenia with susceptibility to infections. Also called: IMMUNODEFICIENCY 21; GATA2 DEFICIENCY; MONOCYTOPENIA AND MYCOBACTERIAL INFECTION SYNDROME; MONOCYTOPENIA WITH SUSCEPTIBILITY TO MYCOBACTERIAL, FUNGAL, AND PAPILLOMAVIRUS INFECTIONS AND MYELODYSPLASIA; COMBINED IMMUNODEFICIENCY WITH SUSCEPTIBILITY TO MYCOBACTERIAL, VIRAL, AND FUNGAL INFECTIONS; Dendritic cell, monocyte, B lymphocyte, and natural killer lymphocyte deficiency. Identifiers: Orphanet 228423, MedGen C3280030, MONDO:0013607, OMIM 614172.

Submission:

Labcorp Genetics (formerly Invitae), Labcorp
Classification: Uncertain significance for Monocytopenia with susceptibility to infections; Deafness-lymphedema-leukemia syndrome. Last evaluated: 2023-04-23. Review status: criteria provided, single submitter. Criteria: Invitae Variant Classification Sherloc (09022015). Collection method: clinical testing. Allele origin: germline.
Comment: Advanced modeling of protein sequence and biophysical properties (such as structural, functional, and spatial information, amino acid conservation, physicochemical variation, residue mobility, and thermodynamic stability) has been performed at Invitae for this missense variant, however the output from this modeling did not meet the statistical confidence thresholds required to predict the impact of this variant on GATA2 protein function. In summary, the available evidence is currently insufficient to determine the role of this variant in disease. Therefore, it has been classified as a Variant of Uncertain Significance. This sequence change replaces proline, which is neutral and non-polar, with arginine, which is basic and polar, at codon 185 of the GATA2 protein (p.Pro185Arg). This variant is not present in population databases (gnomAD no frequency). This variant has not been reported in the literature in individuals affected with GATA2-related conditions.